The following is an entry in ClinVar:

NM_002972.4(SBF1):c.4216A>G (p.Ser1406Gly)

Gene: SBF1 (SET binding factor 1; minus strand). Cytogenetic location: 22q13.33.
Variant type: single nucleotide variant.
Coding change: c.4216A>G on transcript NM_002972.4 (MANE Select); coding-DNA position 4216, A replaced by G.
Protein change: p.Ser1406Gly; replaces serine 1406 with glycine.
Molecular consequence: missense variant.
Genome position (GRCh38, 1-based): chr22:50,456,266, T>C on the plus strand (A>G on the coding strand, the complement: SBF1 is on the minus strand). VCF-style: chr22-50456266-T-C. GRCh37 (hg19) VCF-style: chr22-50894695-T-C.
Other names: c.4141A>G, p.Ser1381Gly (NM_001365819.1); c.4219A>G, p.Ser1407Gly (NM_001410794.1); c.4138A>G, p.Ser1380Gly (NM_001410795.1); c.4216A>G, p.Ser1406Gly (NM_197971.1); short protein forms S1381G, S1407G, S1380G, S1406G.
Identifiers: ClinVar variation 1934275 (VCV001934275.5), dbSNP rs759260765, ClinGen allele CA10316351.

ClinVar aggregate classification (germline): Uncertain significance (1 of 4 stars; one submission).

Allele frequency attached by ClinVar (database versions not stated): TOPMed below 0.00001; gnomAD exomes 0.00001; ExAC 0.00003.
gnomAD v4.1: 4 of 1,612,732 alleles (0.00025%); highest among the groups gnomAD compares: Admixed American, 0.0067%; no homozygotes.

Submission:

Labcorp Genetics (formerly Invitae), Labcorp
Classification: Uncertain significance. Last evaluated: 2022-01-05. Review status: criteria provided, single submitter. Criteria: Invitae Variant Classification Sherloc (09022015). Collection method: clinical testing. Allele origin: germline.
Comment: In summary, the available evidence is currently insufficient to determine the role of this variant in disease. Therefore, it has been classified as a Variant of Uncertain Significance. Algorithms developed to predict the effect of missense changes on protein structure and function output the following: SIFT: "Tolerated"; PolyPhen-2: "Benign"; Align-GVGD: "Class C0". The glycine amino acid residue is found in multiple mammalian species, which suggests that this missense change does not adversely affect protein function. This variant has not been reported in the literature in individuals affected with SBF1-related conditions. This variant is present in population databases (rs759260765, gnomAD 0.009%). This sequence change replaces serine, which is neutral and polar, with glycine, which is neutral and non-polar, at codon 1406 of the SBF1 protein (p.Ser1406Gly).